The following is an entry in ClinVar:

NM_031935.3(HMCN1):c.6641T>C (p.Ile2214Thr)

Gene: HMCN1 (hemicentin 1; plus strand). Cytogenetic location: 1q31.1.
Variant type: single nucleotide variant.
Coding change: c.6641T>C on transcript NM_031935.3 (MANE Select); coding-DNA position 6641, T replaced by C.
Protein change: p.Ile2214Thr; replaces isoleucine 2214 with threonine.
Molecular consequence: missense variant.
Genome position (GRCh38, 1-based): chr1:186,053,015, T>C. VCF-style: chr1-186053015-T-C. GRCh37 (hg19) VCF-style: chr1-186022147-T-C.
Other names: c.6641T>C (NM_031935.2); short protein forms I2214T.
Identifiers: ClinVar variation 1405073 (VCV001405073.7), dbSNP rs907235295, ClinGen allele CA33478649.

ClinVar aggregate classification (germline): Uncertain significance. Review status: criteria provided, multiple submitters, no conflicts (2 of 4 stars). 2 submissions from 2 submitters: Uncertain significance (2). Last evaluated 2025-08-20.

Allele frequency attached by ClinVar (database versions not stated): gnomAD exomes below 0.00001; TOPMed 0.00002; gnomAD 0.00005.
gnomAD v4.1: 8 of 1,608,092 alleles (0.0005%); highest among the groups gnomAD compares: African/African-American, 0.011%; no homozygotes.

Submissions (2):

Ambry Genetics
Classification: Uncertain significance. Last evaluated: 2025-08-20. Review status: criteria provided, single submitter. Criteria: Ambry Variant Classification Scheme 2023. Collection method: clinical testing. Allele origin: germline.

Labcorp Genetics (formerly Invitae), Labcorp
Classification: Uncertain significance. Last evaluated: 2022-07-26. Review status: criteria provided, single submitter. Criteria: Invitae Variant Classification Sherloc (09022015). Collection method: clinical testing. Allele origin: germline.
Comment: ClinVar contains an entry for this variant (Variation ID: 1405073). Algorithms developed to predict the effect of missense changes on protein structure and function are either unavailable or do not agree on the potential impact of this missense change (SIFT: "Deleterious"; PolyPhen-2: "Benign"; Align-GVGD: "Class C65"). In summary, the available evidence is currently insufficient to determine the role of this variant in disease. Therefore, it has been classified as a Variant of Uncertain Significance. This sequence change replaces isoleucine, which is neutral and non-polar, with threonine, which is neutral and polar, at codon 2214 of the HMCN1 protein (p.Ile2214Thr). This variant has not been reported in the literature in individuals affected with HMCN1-related conditions. This variant is present in population databases (no rsID available, gnomAD 0.02%).